The following is an entry in ClinVar:

ClinVar aggregate classification (germline): Uncertain significance. Review status: criteria provided, multiple submitters, no conflicts (2 of 4 stars). 2 submissions from 2 submitters: Uncertain significance (2). Last evaluated 2024-10-18.

Conditions:
Congenital myasthenic syndrome 8. Also called: Myasthenic syndrome, congenital, 8, with pre- and postsynaptic defects; MYASTHENIC SYNDROME, CONGENITAL, DUE TO AGRIN DEFICIENCY. Identifiers: Orphanet 590, MedGen C3808739, MONDO:0014052, OMIM 615120.

Allele frequency attached by ClinVar (database versions not stated): TOPMed 0.00006.
gnomAD v4.1: 14 of 1,523,558 alleles (0.00092%); highest among the groups gnomAD compares: African/African-American, 0.011%; no homozygotes.

Submissions (2):

Labcorp Genetics (formerly Invitae), Labcorp
Classification: Uncertain significance for Congenital myasthenic syndrome 8. Last evaluated: 2024-10-18. Review status: criteria provided, single submitter. Criteria: Invitae Variant Classification Sherloc (09022015). Collection method: clinical testing. Allele origin: germline.
Comment: This sequence change replaces glycine, which is neutral and non-polar, with arginine, which is basic and polar, at codon 1341 of the AGRN protein (p.Gly1341Arg). This variant is present in population databases (no rsID available, gnomAD 0.006%). This variant has not been reported in the literature in individuals affected with AGRN-related conditions. ClinVar contains an entry for this variant (Variation ID: 593687). An algorithm developed to predict the effect of missense changes on protein structure and function (PolyPhen-2) suggests that this variant is likely to be disruptive. In summary, the available evidence is currently insufficient to determine the role of this variant in disease. Therefore, it has been classified as a Variant of Uncertain Significance.

Eurofins Ntd Llc (ga)
Classification: Uncertain significance. Last evaluated: 2017-08-14. Review status: criteria provided, single submitter. Criteria: EGL Classification Definitions 2015. Collection method: clinical testing. Allele origin: germline. Observed: 1 variant allele, 1 heterozygote.

NM_198576.4(AGRN):c.4021G>C (p.Gly1341Arg)

Gene: AGRN (agrin; plus strand). Cytogenetic location: 1p36.33.
Variant type: single nucleotide variant.
Coding change: c.4021G>C on transcript NM_198576.4 (MANE Select); coding-DNA position 4021, G replaced by C.
Protein change: p.Gly1341Arg; replaces glycine 1341 with arginine.
Molecular consequence: missense variant.
Genome position (GRCh38, 1-based): chr1:1,048,281, G>C. VCF-style: chr1-1048281-G-C. GRCh37 (hg19) VCF-style: chr1-983661-G-C.
Other names: c.4021G>C, p.Gly1341Arg (NM_001305275.2); c.3706G>C, p.Gly1236Arg (NM_001364727.2); short protein forms G1341R, G1236R.
Identifiers: ClinVar variation 593687 (VCV000593687.12), dbSNP rs372543866, ClinGen allele CA16760382.